The following is an entry in ClinVar:

NM_014727.3(KMT2B):c.2701C>T (p.Arg901Trp)

Gene: KMT2B (lysine methyltransferase 2B; plus strand). Cytogenetic location: 19q13.12.
Variant type: single nucleotide variant.
Coding change: c.2701C>T on transcript NM_014727.3 (MANE Select); coding-DNA position 2701, C replaced by T.
Protein change: p.Arg901Trp; replaces arginine 901 with tryptophan.
Molecular consequence: missense variant.
Genome position (GRCh38, 1-based): chr19:35,722,697, C>T. VCF-style: chr19-35722697-C-T. GRCh37 (hg19) VCF-style: chr19-36213599-C-T.
Other names: short protein forms R901W.
Identifiers: ClinVar variation 4886135 (VCV004886135.3).

ClinVar aggregate classification (germline): Uncertain significance. Review status: criteria provided, multiple submitters, no conflicts (2 of 4 stars). 2 submissions from 2 submitters: Uncertain significance (2). Last evaluated 2026-08-06.

Conditions:
Intellectual developmental disorder, autosomal dominant 68 (MRD68). Also called: MENTAL RETARDATION, AUTOSOMAL DOMINANT 68. Identifiers: MedGen C5677008, MONDO:0030969, OMIM 619934.

gnomAD v4.1: 6 of 1,605,820 alleles (0.00037%); highest among the groups gnomAD compares: Admixed American, 0.0017%; no homozygotes.

Submissions (2):

OLLIN Analises Genomicas, OLLIN
Classification: Uncertain significance for Intellectual developmental disorder, autosomal dominant 68. Last evaluated: 2026-08-06. Review status: criteria provided, single submitter. Criteria: ACMG Guidelines 2015 PMID 25741868. Collection method: clinical testing. Allele origin: germline. Inheritance: Autosomal dominant inheritance.
Comment: This missense variant, located in exon 5 (of 37), has been observed in gnomAD with an allele frequency of 0.00037%, but has not been reported in ClinVar or identified in the literature. In silico analysis is inconclusive regarding the impact of this variant. According to the currently available evidence, this variant has been classified as uncertain significance (PM2_P).

Dasa
Classification: Uncertain significance. Last evaluated: 2025-01-28. Review status: criteria provided, single submitter. Criteria: DASA Assertion Criteria. Collection method: clinical testing. Allele origin: germline.
Comment: NM_014727.3(KMT2B):c.2701C>T (p.Arg901Trp) is a missense variant that results in the substitution of arginine with tryptophan. This variant is rare in population databases. The currently available literature and clinical evidence are not sufficient to establish a definitive association between this variant and the reported condition. Therefore, this variant is classified as a variant of uncertain significance.